The following is an entry in ClinVar:

ClinVar aggregate classification (germline): Pathogenic (1 of 4 stars; one submission).

Submission:

Labcorp Genetics (formerly Invitae), Labcorp
Classification: Pathogenic. Last evaluated: 2024-08-21. Review status: criteria provided, single submitter. Criteria: Invitae Variant Classification Sherloc (09022015). Collection method: clinical testing. Allele origin: germline.
Comment: This sequence change creates a premature translational stop signal (p.Phe2154Glyfs*46) in the MYO7A gene. It is expected to result in an absent or disrupted protein product. Loss-of-function variants in MYO7A are known to be pathogenic (PMID: 8900236, 25404053). This variant is not present in population databases (gnomAD no frequency). This variant has not been reported in the literature in individuals affected with MYO7A-related conditions. For these reasons, this variant has been classified as Pathogenic.

Literature cited by the submitters: PubMed 8900236; PubMed 25404053.

NM_000260.4(MYO7A):c.6439-1_6459dup

Gene: MYO7A (myosin VIIA; plus strand). Cytogenetic location: 11q13.5.
Variant type: Duplication.
Coding change: c.6439-1_6459dup on transcript NM_000260.4 (MANE Select); the canonical splice acceptor site of the intron before coding-DNA position 6439 through coding-DNA position 6459, 22 bases duplicated (GGATATCCTCACCACTCATCCC).
Molecular consequence: splice acceptor variant.
Genome position (GRCh38, 1-based): chr11:77,213,859-77,213,880, GGATATCCTCACCACTCATCCC duplicated. VCF-style (leftmost placement, unchanged base first): chr11-77213858-A-AGGATATCCTCACCACTCATCCC. GRCh37 (hg19) VCF-style: chr11-76924903-A-AGGATATCCTCACCACTCATCCC.
Other names: c.6292-1_6312dup (NM_001369365.1); c.6319-1_6339dup (NM_001127180.2).
Identifiers: ClinVar variation 3663117 (VCV003663117.2).